The following is an entry in ClinVar:

NM_001371533.1(FUT8):c.570G>A (p.Leu190=)

Gene: FUT8 (fucosyltransferase 8; plus strand). Cytogenetic location: 14q23.3.
Variant type: single nucleotide variant.
Coding change: c.570G>A on transcript NM_001371533.1 (MANE Select); coding-DNA position 570, G replaced by A.
Protein change: p.Leu190=; no amino-acid change (leucine 190 retained).
Molecular consequence: synonymous variant. On other transcripts: non-coding transcript variant (1).
Genome position (GRCh38, 1-based): chr14:65,629,579, G>A. VCF-style: chr14-65629579-G-A. GRCh37 (hg19) VCF-style: chr14-66096297-G-A.
Other names: p.Leu190=; c.570G>A, p.Leu190= (NM_001371534.1, NM_178155.3, NM_178156.2); c.672G>A, p.Leu224= (NM_001371536.1); c.81G>A, p.Leu27= (NM_004480.4).
Identifiers: ClinVar variation 402888 (VCV000402888.19), dbSNP rs35137471, ClinGen allele CA7233271.
Genomic context (GRCh38, chr14:65,629,579, plus strand): 5'-CAGTCAGACAGATGGAGCAGGTGATTGGCGGGAAAAAGAGGCCAAAGATCTGACAGAACT[G>A]GTTCAGCGGAGAATAACATATCTTCAGGTAAGAAGGTTGGGTTAAGAATAAATTTGAGTG-3'
Protein context (NP_001358462.1, residues 180-200): REKEAKDLTE[Leu190=]VQRRITYLQN

ClinVar aggregate classification (germline): Benign. Review status: criteria provided, multiple submitters, no conflicts (2 of 4 stars). 6 submissions from 6 submitters: Benign (5). 1 of the submissions does not count toward it. Last evaluated 2026-02-02.

Conditions:
FUT8-related disorder. Also called: FUT8-related condition.

Allele frequency attached by ClinVar (database versions not stated): ESP Exome Variant Server 0.01569; TOPMed 0.02080; 1000 Genomes Project 0.02356; 1000 Genomes Project 30x 0.02530.
gnomAD v4.1: 38,208 of 1,613,110 alleles (2.4%); highest among the groups gnomAD compares: Admixed American, 12%; 909 homozygotes.

Submissions (6):

Labcorp Genetics (formerly Invitae), Labcorp
Classification: Benign. Last evaluated: 2026-02-02. Review status: criteria provided, single submitter. Criteria: Invitae Variant Classification Sherloc (09022015). Collection method: clinical testing. Allele origin: germline.

Mayo Clinic Laboratories, Mayo Clinic
Classification: Benign. Last evaluated: 2021-04-07. Review status: criteria provided, single submitter. Criteria: ACMG Guidelines, 2015. Collection method: clinical testing. Allele origin: germline. Observed: 8 variant alleles.

GeneDx
Classification: Benign. Last evaluated: 2018-09-11. Review status: criteria provided, single submitter. Criteria: GeneDx Variant Classification Process June 2021. Collection method: clinical testing. Allele origin: germline. Affected: yes.

Laboratory for Molecular Medicine, Mass General Brigham Personalized Medicine
Classification: Benign. Last evaluated: 2016-03-29. Review status: criteria provided, single submitter. Criteria: LMM Criteria. Collection method: clinical testing. Allele origin: germline.
Comment: Variant identified in a genome or exome case(s) and assessed due to predicted null impact of the variant or pathogenic assertions in the literature or databases. Disclaimer: This variant has not undergone full assessment. The following are preliminary notes: Frequency

Breakthrough Genomics
Classification: Benign. Review status: criteria provided, single submitter. Criteria: ACMG Guidelines, 2015. Collection method: not provided. Allele origin: germline. Inheritance: Autosomal recessive inheritance. Affected: yes.

PreventionGenetics, part of Exact Sciences
Classification: Benign for FUT8-related condition. Last evaluated: 2019-06-11. Review status: no assertion criteria provided. Collection method: clinical testing. Allele origin: germline. Not counted in ClinVar's aggregate classification.
Comment: This variant is classified as benign based on ACMG/AMP sequence variant interpretation guidelines (Richards et al. 2015 PMID: 25741868, with internal and published modifications).